The following is an entry in ClinVar:

NC_000022.11:g.20997232del

Gene: LZTR1 (leucine zipper like post translational regulator 1; plus strand). Cytogenetic location: 22q11.21.
Variant type: Deletion.
Genome position: GRCh38 VCF-style: chr22-20997230-AG-A. GRCh37 (hg19) VCF-style: chr22-21351519-AG-A.
Identifiers: ClinVar variation 4694522 (VCV004694522.1).

ClinVar aggregate classification (germline): Pathogenic (1 of 4 stars; one submission).

Submission:

Labcorp Genetics (formerly Invitae), Labcorp
Classification: Pathogenic. Last evaluated: 2025-09-09. Review status: criteria provided, single submitter. Criteria: Invitae Variant Classification Sherloc (09022015). Collection method: clinical testing. Allele origin: germline.
Comment: This sequence change creates a premature translational stop signal (p.Val803Serfs*10) in the LZTR1 gene. While this is not anticipated to result in nonsense mediated decay, it is expected to disrupt the last 38 amino acid(s) of the LZTR1 protein. This variant is not present in population databases (gnomAD no frequency). This variant has not been reported in the literature in individuals affected with LZTR1-related conditions. Algorithms developed to predict the effect of sequence changes on RNA splicing suggest that this variant may disrupt the consensus splice site. This variant disrupts a region of the LZTR1 protein in which other variant(s) (p.Leu806) have been determined to be pathogenic (internal data). This suggests that this is a clinically significant region of the protein, and that variants that disrupt it are likely to be disease-causing. For these reasons, this variant has been classified as Pathogenic.